The following is an entry in ClinVar:

ClinVar aggregate classification (germline): Pathogenic (1 of 4 stars; one submission).

Submission:

GeneDx
Classification: Pathogenic. Last evaluated: 2023-05-16. Review status: criteria provided, single submitter. Criteria: GeneDx Variant Classification Process June 2021. Collection method: clinical testing. Allele origin: germline. Affected: yes.
Comment: Not observed at significant frequency in large population cohorts (gnomAD); In silico analysis supports that this missense variant has a deleterious effect on protein structure/function; Missense variants in this gene are often considered pathogenic (HGMD); This substitution is predicted to be within the transmembrane segment S6 of the third homologous domain; This variant is associated with the following publications: (PMID: 21844054)

NM_001165963.4(SCN1A):c.4387T>C (p.Phe1463Leu)

Genes: SCN1A (sodium voltage-gated channel alpha subunit 1; minus strand), LOC102724058 (uncharacterized LOC102724058; plus strand). Cytogenetic location: 2q24.3.
Variant type: single nucleotide variant.
Coding change: c.4387T>C on transcript NM_001165963.4 (MANE Select); coding-DNA position 4387, T replaced by C.
Protein change: p.Phe1463Leu; replaces phenylalanine 1463 with leucine.
Molecular consequence: missense variant. On other transcripts: non-coding transcript variant (1).
Genome position (GRCh38, 1-based): chr2:165,998,127, A>G on the plus strand (T>C on the coding strand, the complement: SCN1A is on the minus strand). VCF-style: chr2-165998127-A-G. GRCh37 (hg19) VCF-style: chr2-166854637-A-G.
Other names: c.4303T>C, p.Phe1435Leu (NM_001165964.3, NM_001353957.2, NM_001353958.2); c.4387T>C, p.Phe1463Leu (NM_001202435.3, NM_001353948.2); c.4354T>C, p.Phe1452Leu (NM_001353949.2, NM_001353950.2, NM_001353951.2 and 2 more transcripts); c.4351T>C, p.Phe1451Leu (NM_001353954.2, NM_001353955.2); c.4300T>C, p.Phe1434Leu (NM_001353960.2); c.1945T>C, p.Phe649Leu (NM_001353961.2); short protein forms F1434L, F1435L, F1451L, F1452L, F1463L, F649L.
Identifiers: ClinVar variation 3338838 (VCV003338838.1).